The following is an entry in ClinVar:

ClinVar aggregate classification (germline): Likely benign (1 of 4 stars; one submission).

Conditions:
ADCY3-related disorder. Also called: ADCY3-related condition.

gnomAD v4.1: 25 of 1,541,706 alleles (0.0016%); highest among the groups gnomAD compares: Non-Finnish European, 0.0022%; no homozygotes.

Submission:

PreventionGenetics, part of Exact Sciences
Classification: Likely benign for ADCY3-related condition. Last evaluated: 2026-01-13. Review status: criteria provided, single submitter. Criteria: ACMG Guidelines, 2015. Collection method: clinical testing. Allele origin: germline.
Comment: This variant is classified as likely benign based on ACMG/AMP sequence variant interpretation guidelines (Richards et al. 2015 PMID: 25741868, with internal and published modifications).

NM_004036.5(ADCY3):c.3255G>C (p.Val1085=)

Genes: ADCY3 (adenylate cyclase 3; minus strand), CENPO (centromere protein O; plus strand). Cytogenetic location: 2p23.3.
Variant type: single nucleotide variant.
Coding change: c.3255G>C on transcript NM_004036.5 (MANE Select); coding-DNA position 3255, G replaced by C.
Protein change: p.Val1085=; no amino-acid change (valine 1085 retained).
Molecular consequence: synonymous variant. On other transcripts: missense variant (1), 3 prime UTR variant (3), non-coding transcript variant (3).
Genome position (GRCh38, 1-based): chr2:24,820,112, C>G on the plus strand (G>C on the coding strand, the complement: ADCY3 is on the minus strand). VCF-style: chr2-24820112-C-G. GRCh37 (hg19) VCF-style: chr2-25042981-C-G.
Other names: c.3258G>C, p.Val1086= (NM_001320613.2); c.3321G>C, p.Val1107= (NM_001377128.1); c.3117G>C, p.Val1039= (NM_001377129.1); c.2771G>C, p.Trp924Ser (NM_001377130.1); c.2532G>C, p.Val844= (NM_001377131.1); c.3255G>C, p.Val1085= (NM_001377132.1); c.*794C>G (NM_001199803.3, NM_001322101.2, NM_024322.4); short protein forms W924S.
Identifiers: ClinVar variation 4984954 (VCV004984954.1).